The following is an entry in ClinVar:

ClinVar aggregate classification (germline): Benign/Likely benign. Review status: criteria provided, multiple submitters, no conflicts (2 of 4 stars). 3 submissions from 3 submitters: Benign (1); Likely benign (2). Last evaluated 2026-04-27.

Conditions:
Inborn genetic diseases. Identifiers: MedGen C0950123, MeSH D030342.
RAI1-related disorder. Also called: RAI1-related condition.

Allele frequency attached by ClinVar (database versions not stated): gnomAD 0.00001; gnomAD exomes 0.00001 and 0.00004; TOPMed 0.00002; ExAC 0.00007; 1000 Genomes Project 30x 0.00016; 1000 Genomes Project 0.00020.
gnomAD v4.1: 22 of 1,613,240 alleles (0.0014%); highest among the groups gnomAD compares: Admixed American, 0.013%; no homozygotes.

Submissions (3):

PreventionGenetics, part of Exact Sciences
Classification: Likely benign for RAI1-related condition. Last evaluated: 2026-04-27. Review status: criteria provided, single submitter. Criteria: ACMG Guidelines, 2015. Collection method: clinical testing. Allele origin: germline.
Comment: This variant is classified as likely benign based on ACMG/AMP sequence variant interpretation guidelines (Richards et al. 2015 PMID: 25741868, with internal and published modifications).

Labcorp Genetics (formerly Invitae), Labcorp
Classification: Benign. Last evaluated: 2025-12-01. Review status: criteria provided, single submitter. Criteria: Invitae Variant Classification Sherloc (09022015). Collection method: clinical testing. Allele origin: germline.

Ambry Genetics
Classification: Likely benign for Inborn genetic diseases. Last evaluated: 2025-05-17. Review status: criteria provided, single submitter. Criteria: Ambry Variant Classification Scheme 2023. Collection method: clinical testing. Allele origin: germline.

NM_030665.4(RAI1):c.4532C>T (p.Pro1511Leu)

Gene: RAI1 (retinoic acid induced 1; plus strand). Cytogenetic location: 17p11.2.
Variant type: single nucleotide variant.
Coding change: c.4532C>T on transcript NM_030665.4 (MANE Select); coding-DNA position 4532, C replaced by T.
Protein change: p.Pro1511Leu; replaces proline 1511 with leucine.
Molecular consequence: missense variant.
Genome position (GRCh38, 1-based): chr17:17,797,480, C>T. VCF-style: chr17-17797480-C-T. GRCh37 (hg19) VCF-style: chr17-17700794-C-T.
Other names: c.4532C>T (NM_030665.3); short protein forms P1511L.
Identifiers: ClinVar variation 1416297 (VCV001416297.11), dbSNP rs548056226, ClinGen allele CA8418973.